The following is an entry in ClinVar:

ClinVar aggregate classification (germline): Likely pathogenic (1 of 4 stars; one submission).

Submission:

Labcorp Genetics (formerly Invitae), Labcorp
Classification: Likely pathogenic. Last evaluated: 2023-09-20. Review status: criteria provided, single submitter. Criteria: Invitae Variant Classification Sherloc (09022015). Collection method: clinical testing. Allele origin: germline.
Comment: This variant has not been reported in the literature in individuals affected with COL7A1-related conditions. This sequence change replaces glycine, which is neutral and non-polar, with arginine, which is basic and polar, at codon 2656 of the COL7A1 protein (p.Gly2656Arg). This variant is not present in population databases (gnomAD no frequency). Advanced modeling of protein sequence and biophysical properties (such as structural, functional, and spatial information, amino acid conservation, physicochemical variation, residue mobility, and thermodynamic stability) performed at Invitae indicates that this missense variant is expected to disrupt COL7A1 protein function. This variant disrupts the p.Gly2656 amino acid residue in COL7A1. Other variant(s) that disrupt this residue have been determined to be pathogenic (PMID: 21448560). This suggests that this residue is clinically significant, and that variants that disrupt this residue are likely to be disease-causing. In summary, the currently available evidence indicates that the variant is pathogenic, but additional data are needed to prove that conclusively. Therefore, this variant has been classified as Likely Pathogenic. This variant disrupts the triple helix domain of COL7A1. Glycine residues within the Gly-Xaa-Yaa repeats of the triple helix domain are required for the structure and stability of fibrillar collagens (PMID: 7695699, 8218237, 19344236), and variants at these glycine residues in COL7A1 are more frequently observed in individuals with disease than in the general population (PMID: 22058051). However, the clinical significance of this observation remains uncertain since only a limited number of affected individuals have been described to date.

Literature cited by the submitters: PubMed 21448560; PubMed 7695699; PubMed 8218237; PubMed 19344236; PubMed 22058051.

NM_000094.4(COL7A1):c.7966G>C (p.Gly2656Arg)

Gene: COL7A1 (collagen type VII alpha 1 chain; minus strand). Cytogenetic location: 3p21.31.
Variant type: single nucleotide variant.
Coding change: c.7966G>C on transcript NM_000094.4 (MANE Select); coding-DNA position 7966, G replaced by C.
Protein change: p.Gly2656Arg; replaces glycine 2656 with arginine.
Molecular consequence: missense variant.
Genome position (GRCh38, 1-based): chr3:48,567,727, C>G on the plus strand (G>C on the coding strand, the complement: COL7A1 is on the minus strand). VCF-style: chr3-48567727-C-G. GRCh37 (hg19) VCF-style: chr3-48605160-C-G.
Other names: short protein forms G2656R.
Identifiers: ClinVar variation 2762005 (VCV002762005.3), dbSNP rs2530825642, ClinGen allele CA352641269.